The following is an entry in ClinVar:

ClinVar aggregate classification (germline): Likely benign. Review status: criteria provided, multiple submitters, no conflicts (2 of 4 stars). 3 submissions from 3 submitters: Likely benign (3). Last evaluated 2025-06-09.

Allele frequency attached by ClinVar (database versions not stated): ExAC 0.00002.

Submissions (3):

Labcorp Genetics (formerly Invitae), Labcorp
Classification: Likely benign. Last evaluated: 2025-06-09. Review status: criteria provided, single submitter. Criteria: Invitae Variant Classification Sherloc (09022015). Collection method: clinical testing. Allele origin: germline.

Blueprint Genetics
Classification: Likely benign. Last evaluated: 2024-10-09. Review status: criteria provided, single submitter. Criteria: ACMG Guidelines, 2015. Collection method: clinical testing. Allele origin: germline.

CeGaT Center for Human Genetics Tuebingen
Classification: Likely benign. Last evaluated: 2023-03-01. Review status: criteria provided, single submitter. Criteria: CeGaT Center For Human Genetics Tuebingen Variant Classification Criteria Version 2. Collection method: clinical testing. Allele origin: germline. Affected: yes. Observed: 1 variant allele.
Comment: RFWD3: BP4, BP7

NM_018124.4(RFWD3):c.1375C>T (p.Leu459=)

Gene: RFWD3 (ring finger and WD repeat domain 3; minus strand). Cytogenetic location: 16q23.1.
Variant type: single nucleotide variant.
Coding change: c.1375C>T on transcript NM_018124.4 (MANE Select); coding-DNA position 1375, C replaced by T.
Protein change: p.Leu459=; no amino-acid change (leucine 459 retained).
Molecular consequence: synonymous variant.
Genome position (GRCh38, 1-based): chr16:74,636,397, G>A on the plus strand (C>T on the coding strand, the complement: RFWD3 is on the minus strand). VCF-style: chr16-74636397-G-A. GRCh37 (hg19) VCF-style: chr16-74670295-G-A.
Other names: c.1375C>T, p.Leu459= (NM_001370534.1, NM_001370535.1, NM_001370536.1); c.541C>T, p.Leu181= (NM_001370537.1, NM_001370539.1, NM_001370540.1 and 3 more transcripts).
Identifiers: ClinVar variation 2646856 (VCV002646856.28), dbSNP rs748180724, ClinGen allele CA8169236.